The following is an entry in ClinVar:

ClinVar aggregate classification (germline): Uncertain significance (1 of 4 stars; one submission).

Submission:

GeneDx
Classification: Uncertain significance. Last evaluated: 2023-07-10. Review status: criteria provided, single submitter. Criteria: GeneDx Variant Classification Process June 2021. Collection method: clinical testing. Allele origin: germline. Affected: yes.
Comment: Not observed at significant frequency in large population cohorts (gnomAD); In silico analysis supports that this missense variant has a deleterious effect on protein structure/function; Has not been previously published as pathogenic or benign to our knowledge

NM_016284.5(CNOT1):c.6326T>C (p.Phe2109Ser)

Gene: CNOT1 (CCR4-NOT transcription complex subunit 1; minus strand). Cytogenetic location: 16q21.
Variant type: single nucleotide variant.
Coding change: c.6326T>C on transcript NM_016284.5 (MANE Select); coding-DNA position 6326, T replaced by C.
Protein change: p.Phe2109Ser; replaces phenylalanine 2109 with serine.
Molecular consequence: missense variant. On other transcripts: non-coding transcript variant (1).
Genome position (GRCh38, 1-based): chr16:58,528,602, A>G on the plus strand (T>C on the coding strand, the complement: CNOT1 is on the minus strand). VCF-style: chr16-58528602-A-G. GRCh37 (hg19) VCF-style: chr16-58562506-A-G.
Other names: c.6311T>C, p.Phe2104Ser (NM_001265612.2); short protein forms F2104S, F2109S.
Identifiers: ClinVar variation 3360731 (VCV003360731.1).